The following is an entry in ClinVar:

ClinVar aggregate classification (germline): Uncertain significance. Review status: criteria provided, multiple submitters, no conflicts (2 of 4 stars). 14 submissions from 14 submitters: Uncertain significance (12). 2 of the submissions do not count toward it. Last evaluated 2026-01-30.

Conditions:
CHEK2-related disorder.
Breast and/or ovarian cancer. Identifiers: MedGen CN221562.
Hereditary cancer-predisposing syndrome. Also called: Neoplastic Syndromes, Hereditary; Tumor predisposition; Hereditary Cancer Syndrome; Hereditary neoplastic syndrome. Identifiers: Orphanet 140162, MedGen C0027672, MeSH D009386, MONDO:0015356.
CHEK2-related cancer predisposition (TPDS4). Also called: CHEK2-related cancer susceptibility; TUMOR PREDISPOSITION SYNDROME 4; CANCER PREDISPOSITION SYNDROME, CHEK2-RELATED. Identifiers: Orphanet 524, MedGen C5882668, MONDO:0700271, OMIM 609265.
Familial cancer of breast. Also called: hereditary breast carcinoma; Hereditary breast cancer; BREAST CANCER, FAMILIAL. Identifiers: Orphanet 227535, MedGen C0346153, MONDO:0016419, OMIM 114480. Disease mechanism: loss of function.

Allele frequency attached by ClinVar (database versions not stated): gnomAD exomes 0.00001 and 0.00003; ExAC 0.00003; gnomAD 0.00003 and 0.00004; TOPMed 0.00005; 1000 Genomes Project 0.00040; 1000 Genomes Project 30x 0.00062.
gnomAD v4.1: 16 of 1,613,730 alleles (0.00099%); highest among the groups gnomAD compares: Admixed American, 0.01%; no homozygotes.

Submissions (14):

Labcorp Genetics (formerly Invitae), Labcorp
Classification: Uncertain significance for Familial cancer of breast. Last evaluated: 2026-01-30. Review status: criteria provided, single submitter. Criteria: Invitae Variant Classification Sherloc (09022015). Collection method: clinical testing. Allele origin: germline.
Comment: This sequence change replaces glutamic acid, which is acidic and polar, with glycine, which is neutral and non-polar, at codon 377 of the CHEK2 protein (p.Glu377Gly). This variant is present in population databases (rs560973106, gnomAD 0.01%). This missense change has been observed in individual(s) with breast cancer (PMID: 29522266, 35534704, 35957908). ClinVar contains an entry for this variant (Variation ID: 128045). An algorithm developed to predict the effect of missense changes on protein structure and function (PolyPhen-2) suggests that this variant is likely to be tolerated. In summary, the available evidence is currently insufficient to determine the role of this variant in disease. Therefore, it has been classified as a Variant of Uncertain Significance.

PreventionGenetics, part of Exact Sciences
Classification: Uncertain significance for CHEK2-related condition. Last evaluated: 2025-10-07. Review status: criteria provided, single submitter. Criteria: ACMG Guidelines, 2015. Collection method: clinical testing. Allele origin: germline.
Comment: The CHEK2 c.1130A>G variant is predicted to result in the amino acid substitution p.Glu377Gly. This variant has been reported in an individual with triple negative breast cancer (Data Sheet 1, Gifoni et al. 2022. PubMed ID: 35957908) and in at least one other individual with breast cancer who was found to have an additional pathogenic CHEK2 variant (Table S3, de Oliveira et al. 2022. PubMed ID: 35534704). This variant is reported in 0.014% of alleles in individuals of Latino descent in gnomAD and is classified by most submitters to clinvar as uncertain (ClinVar ID: 128045). Functional studies in yeast and human cells suggest this variant has no impact on protein function or splicing (Supplemental Data, Delimitsou et al. 2019. PubMed ID: 30851065; Table S3, Casadei et al. 2019. PubMed ID: 31843900). At this time, the clinical significance of this variant is uncertain due to the absence of conclusive functional and genetic evidence.

Ambry Genetics
Classification: Uncertain significance for Hereditary cancer-predisposing syndrome. Last evaluated: 2025-06-24. Review status: criteria provided, single submitter. Criteria: Ambry Variant Classification Scheme 2023. Collection method: clinical testing. Allele origin: germline.
Comment: The p.E377G variant (also known as c.1130A>G), located in coding exon 10 of the CHEK2 gene, results from an A to G substitution at nucleotide position 1130. The glutamic acid at codon 377 is replaced by glycine, an amino acid with similar properties. This alteration behaved as functional in an in vivo, yeast-based growth rate assay (Delimitsou A et al. Hum Mutat, 2019 05;40:631-648). This alteration was detected in 0/1054 Hispanic BRCA1/2-negative probands with hereditary breast cancer and 1/1189 controls (Weitzel JN et al. Cancer, 2019 Aug;125:2829-2836). This alteration was detected in 1/5589 German BRCA1/2-negative probands with breast cancer (Hauke J et al. Cancer Med, 2018 Apr;7:1349-1358). This amino acid position is highly conserved in available vertebrate species. In addition, the in silico prediction for this alteration is inconclusive. Since supporting evidence is limited at this time, the clinical significance of this alteration remains unclear.

Quest Diagnostics Nichols Institute San Juan Capistrano
Classification: Uncertain significance. Last evaluated: 2025-02-27. Review status: criteria provided, single submitter. Criteria: Quest Diagnostics criteria. Collection method: clinical testing. Allele origin: unknown.
Comment: The CHEK2 c.1130A>G (p.Glu377Gly) variant has been reported in the published literature in individuals with breast cancer (PMIDs: 35957908 (2022), 29522266 (2018), Lovejoy et al. Austin J Cancer Clin Res (2018) 5(1):1082), as well as in a reportedly healthy individual (PMID: 31206626 (2019)). Experimental studies indicate this variant has neutral effects on CHEK2 mRNA splicing (PMID: 31843900 (2019)), and DNA repair function in a yeast-based assay (PMID: 30851065 (2019)). The frequency of this variant in the general population (Genome Aggregation Database) is uninformative in the assessment of its pathogenicity. Analysis of this variant using bioinformatics tools for the prediction of the effect of amino acid changes on protein structure and function yielded predictions that this variant is damaging. Based on the available information, we are unable to determine the clinical significance of this variant.

Color Diagnostics, LLC DBA Color Health
Classification: Uncertain significance for Hereditary cancer-predisposing syndrome. Last evaluated: 2024-12-16. Review status: criteria provided, single submitter. Criteria: ACMG Guidelines, 2015. Collection method: clinical testing. Allele origin: germline.
Comment: This missense variant replaces glutamic acid with glycine at codon 377 of the CHEK2 protein. Computational prediction suggests that this variant may not impact protein structure and function. Functional studies have reported that this variant has a neutral impact on protein function in a yeast complementation assay (PMID: 30851065) and does not affect RNA splicing (PMID: 31843900). This variant has been identified in 7/250492 chromosomes in the general population by the Genome Aggregation Database (gnomAD). The available evidence is insufficient to determine the role of this variant in disease conclusively. Therefore, this variant is classified as a Variant of Uncertain Significance.

Baylor Genetics
Classification: Uncertain significance for Familial cancer of breast. Last evaluated: 2024-03-21. Review status: criteria provided, single submitter. Criteria: ACMG Guidelines, 2015. Collection method: clinical testing. Allele origin: unknown.

Department of Pathology and Laboratory Medicine, Sinai Health System
Classification: Uncertain significance for CHEK2-related cancer predisposition. Last evaluated: 2024-03-04. Review status: criteria provided, single submitter. Criteria: ACMG Guidelines, 2015. Collection method: clinical testing. Allele origin: germline. Affected: yes.

GeneDx
Classification: Uncertain significance. Last evaluated: 2023-04-12. Review status: criteria provided, single submitter. Criteria: GeneDx Variant Classification Process June 2021. Collection method: clinical testing. Allele origin: germline. Affected: yes.
Comment: Not observed at significant frequency in large population cohorts (gnomAD); In silico analysis supports that this missense variant has a deleterious effect on protein structure/function; Published functional studies suggest no damaging effect: growth rate similar to wild type in yeast-based assays and no effect on splicing (Casadei et al., 2019; Delimitsou et al., 2019); Observed in individuals with a personal and/or family history of breast and other cancers, as well as in healthy controls (Hauke et al., 2018; Casadei et al., 2019; Lovejoy et al., 2018; Weitzel et al., 2019); This variant is associated with the following publications: (PMID: 29522266, 30851065, 31843900, 22419737, 19782031, Lovejoy2018, 31206626)

Myriad Genetics, Inc.
Classification: Uncertain significance for Familial cancer of breast. Last evaluated: 2023-03-09. Review status: criteria provided, single submitter. Criteria: Myriad Autosomal Dominant, Autosomal Recessive and X-Linked Classification Criteria (2023). Collection method: clinical testing. Allele origin: unknown.
Comment: This variant is classified as a variant of uncertain significance as there is insufficient evidence to determine its impact on protein function and/or cancer risk.

Women's Health and Genetics/Laboratory Corporation of America, LabCorp
Classification: Uncertain significance. Last evaluated: 2023-02-03. Review status: criteria provided, single submitter. Criteria: LabCorp Variant Classification Summary - May 2015. Collection method: clinical testing. Allele origin: germline.
Comment: Variant summary: CHEK2 c.1130A>G (p.Glu377Gly) results in a non-conservative amino acid change in the encoded protein sequence. Three of five in-silico tools predict a damaging effect of the variant on protein function. The variant allele was found at a frequency of 2.8e-05 in 250492 control chromosomes. The available data on variant occurrences in the general population are insufficient to allow any conclusion about variant significance. c.1130A>G has been reported in the literature without strong evidence for causality (Casadei_2019). Experimental studies have reported the variant to have no impact on function or splicing (Delimitsou_2019, Casadei_2019). Seven clinical diagnostic laboratories have submitted clinical-significance assessments for this variant to ClinVar after 2014 without evidence for independent evaluation. Six submitters classified the variant as VUS while one classified as benign. Based on the evidence outlined above, the variant was classified as uncertain significance.

CHEO Genetics Diagnostic Laboratory, Children's Hospital of Eastern Ontario
Classification: Uncertain significance for Breast and/or ovarian cancer. Last evaluated: 2022-01-11. Review status: criteria provided, single submitter. Criteria: ACMG Guidelines, 2015. Collection method: clinical testing. Allele origin: germline.

Sema4
Classification: Uncertain significance for Hereditary cancer-predisposing syndrome. Last evaluated: 2021-04-19. Review status: criteria provided, single submitter. Criteria: Sema4 Curation Guidelines. Collection method: curation. Allele origin: germline.
Comment: The CHEK2 c.1130A>G (p.E377G) variant has not been reported in individuals with CHEK2-related disease to our knowledge. A functional study in yeast suggested the normal function of the protein (PMID: 30851065). It was observed in 5/34564 chromosomes of the Latino subpopulation in the large and broad cohorts of the Genome Aggregation Database (PMID: 32461654). The variant has been reported in ClinVar (Variation ID 128045). In silico tools suggest the impact of the variant on protein function is inconclusive. The evidence is insufficient to meet ACMG/AMP criteria for classifying the variant as benign or pathogenic. Thus, the clinical significance of this variant is currently uncertain.

King Laboratory, University of Washington
Classification: Benign. Last evaluated: 2019-09-01. Review status: no assertion criteria provided. Collection method: research. Allele origin: germline. Affected: yes. Not counted in ClinVar's aggregate classification.
Comment: Transcript analysis by cBROCA

Counsyl
Classification: Uncertain significance for Familial cancer of breast. Last evaluated: 2016-08-29. Review status: no assertion criteria provided. Collection method: clinical testing. Allele origin: unknown. Not counted in ClinVar's aggregate classification.

Literature cited by the submitters: PubMed 29522266 (cited by 4 submitters); PubMed 35534704 (cited by Labcorp Genetics (formerly Invitae), Labcorp and Quest Diagnostics Nichols Institute San Juan Capistrano); PubMed 35957908 (cited by Labcorp Genetics (formerly Invitae), Labcorp and Quest Diagnostics Nichols Institute San Juan Capistrano); PubMed 30851065 (cited by 5 submitters); PubMed 31206626 (cited by 4 submitters); PubMed 31843900 (cited by 5 submitters); PubMed 33083949 (cited by Color Diagnostics, LLC DBA Color Health).

NM_007194.4(CHEK2):c.1130A>G (p.Glu377Gly)

Gene: CHEK2 (checkpoint kinase 2; minus strand). Cytogenetic location: 22q12.1.
Variant type: single nucleotide variant.
Coding change: c.1130A>G on transcript NM_007194.4 (MANE Select); coding-DNA position 1130, A replaced by G.
Protein change: p.Glu377Gly; replaces glutamic acid 377 with glycine.
Molecular consequence: missense variant.
Genome position (GRCh38, 1-based): chr22:28,695,839, T>C on the plus strand (A>G on the coding strand, the complement: CHEK2 is on the minus strand). VCF-style: chr22-28695839-T-C. GRCh37 (hg19) VCF-style: chr22-29091827-T-C.
Other names: p.E377G:GAG>GGG; c.1259A>G, p.Glu420Gly (NM_001005735.3); c.467A>G, p.Glu156Gly (NM_001257387.3); c.929A>G, p.Glu310Gly (NM_001349956.3); c.1043A>G, p.Glu348Gly (NM_145862.3); short protein forms E377G, E310G, E348G, E156G, E420G.
Identifiers: ClinVar variation 128045 (VCV000128045.39), dbSNP rs560973106, ClinGen allele CA288256.